The following is an entry in ClinVar:

ClinVar aggregate classification (germline): Uncertain significance. Review status: criteria provided, multiple submitters, no conflicts (2 of 4 stars). 2 submissions from 2 submitters: Uncertain significance (2). Last evaluated 2025-12-09.

gnomAD v4.1: 11 of 1,614,056 alleles (0.00068%); highest among the groups gnomAD compares: Non-Finnish European, 0.00093%; no homozygotes.

Submissions (2):

Women's Health and Genetics/Laboratory Corporation of America, LabCorp
Classification: Uncertain significance. Last evaluated: 2025-12-09. Review status: criteria provided, single submitter. Criteria: LabCorp Variant Classification Summary - May 2015. Collection method: clinical testing. Allele origin: germline.
Comment: Variant summary: ALPL c.137T>C (p.Leu46Pro) results in a non-conservative amino acid change in the encoded protein sequence. Algorithms developed to predict the effect of missense changes on protein structure and function are either unavailable or do not agree on the potential impact of this missense change. The variant was absent in 251460 control chromosomes. The available data on variant occurrences in the general population are insufficient to allow any conclusion about variant significance. To our knowledge, no occurrence of c.137T>C in individuals affected with ALPL-related conditions and no experimental evidence demonstrating its impact on protein function have been reported. ClinVar contains an entry for this variant (Variation ID: 3626452). Based on the evidence outlined above, the variant was classified as uncertain significance.

Labcorp Genetics (formerly Invitae), Labcorp
Classification: Uncertain significance. Last evaluated: 2024-10-30. Review status: criteria provided, single submitter. Criteria: Invitae Variant Classification Sherloc (09022015). Collection method: clinical testing. Allele origin: germline.
Comment: This sequence change replaces leucine, which is neutral and non-polar, with proline, which is neutral and non-polar, at codon 46 of the ALPL protein (p.Leu46Pro). This variant is not present in population databases (gnomAD no frequency). This variant has not been reported in the literature in individuals affected with ALPL-related conditions. Invitae Evidence Modeling of protein sequence and biophysical properties (such as structural, functional, and spatial information, amino acid conservation, physicochemical variation, residue mobility, and thermodynamic stability) indicates that this missense variant is expected to disrupt ALPL protein function with a positive predictive value of 95%. In summary, the available evidence is currently insufficient to determine the role of this variant in disease. Therefore, it has been classified as a Variant of Uncertain Significance.

NM_000478.6(ALPL):c.137T>C (p.Leu46Pro)

Gene: ALPL (alkaline phosphatase, biomineralization associated; plus strand). Cytogenetic location: 1p36.12.
Variant type: single nucleotide variant.
Coding change: c.137T>C on transcript NM_000478.6 (MANE Select); coding-DNA position 137, T replaced by C.
Protein change: p.Leu46Pro; replaces leucine 46 with proline.
Molecular consequence: missense variant. On other transcripts: 5 prime UTR variant (1).
Genome position (GRCh38, 1-based): chr1:21,560,701, T>C. VCF-style: chr1-21560701-T-C. GRCh37 (hg19) VCF-style: chr1-21887194-T-C.
Other names: c.-29T>C (NM_001127501.4); c.22T>C, p.Ser8Pro (NM_001177520.3); c.137T>C, p.Leu46Pro (NM_001369803.2, NM_001369804.2, NM_001369805.2); short protein forms L46P, S8P.
Identifiers: ClinVar variation 3626452 (VCV003626452.3).